The following is an entry in ClinVar:

NM_001572.5(IRF7):c.863C>T (p.Ala288Val)

Gene: IRF7 (interferon regulatory factor 7; minus strand). Cytogenetic location: 11p15.5.
Variant type: single nucleotide variant.
Coding change: c.863C>T on transcript NM_001572.5 (MANE Select); coding-DNA position 863, C replaced by T.
Protein change: p.Ala288Val; replaces alanine 288 with valine.
Molecular consequence: missense variant.
Genome position (GRCh38, 1-based): chr11:613,580, G>A on the plus strand (C>T on the coding strand, the complement: IRF7 is on the minus strand). VCF-style: chr11-613580-G-A. GRCh37 (hg19) VCF-style: chr11-613580-G-A.
Other names: c.902C>T, p.Ala301Val (NM_004031.4); c.776C>T, p.Ala259Val (NM_004029.4); short protein forms A288V, A259V, A301V.
Identifiers: ClinVar variation 3019269 (VCV003019269.3), dbSNP rs775508596, ClinGen allele CA5783647.

ClinVar aggregate classification (germline): Uncertain significance (1 of 4 stars; one submission).

Conditions:
Immunodeficiency 39 (IMD39). Identifiers: Orphanet 574918, MedGen C4225358, MONDO:0014597, OMIM 616345.

Allele frequency attached by ClinVar (database versions not stated): gnomAD exomes below 0.00001; TOPMed below 0.00001; ExAC 0.00001.

Submission:

Labcorp Genetics (formerly Invitae), Labcorp
Classification: Uncertain significance for Immunodeficiency 39. Last evaluated: 2023-03-08. Review status: criteria provided, single submitter. Criteria: Invitae Variant Classification Sherloc (09022015). Collection method: clinical testing. Allele origin: germline.
Comment: In summary, the available evidence is currently insufficient to determine the role of this variant in disease. Therefore, it has been classified as a Variant of Uncertain Significance. Advanced modeling of protein sequence and biophysical properties (such as structural, functional, and spatial information, amino acid conservation, physicochemical variation, residue mobility, and thermodynamic stability) performed at Invitae indicates that this missense variant is not expected to disrupt IRF7 protein function. This variant has not been reported in the literature in individuals affected with IRF7-related conditions. The frequency data for this variant in the population databases is considered unreliable, as metrics indicate poor data quality at this position in the gnomAD database. This sequence change replaces alanine, which is neutral and non-polar, with valine, which is neutral and non-polar, at codon 301 of the IRF7 protein (p.Ala301Val).